The following is an entry in ClinVar:

ClinVar aggregate classification (germline): Uncertain significance. Review status: criteria provided, multiple submitters, no conflicts (2 of 4 stars). 2 submissions from 2 submitters: Uncertain significance (2). Last evaluated 2025-08-07.

gnomAD v4.1: 44 of 1,608,774 alleles (0.0027%); highest among the groups gnomAD compares: African/African-American, 0.055%; no homozygotes.

Submissions (2):

Ambry Genetics
Classification: Uncertain significance. Last evaluated: 2025-08-07. Review status: criteria provided, single submitter. Criteria: Ambry Variant Classification Scheme 2023. Collection method: clinical testing. Allele origin: germline.

Labcorp Genetics (formerly Invitae), Labcorp
Classification: Uncertain significance. Last evaluated: 2025-05-17. Review status: criteria provided, single submitter. Criteria: Invitae Variant Classification Sherloc (09022015). Collection method: clinical testing. Allele origin: germline.
Comment: This sequence change replaces isoleucine, which is neutral and non-polar, with threonine, which is neutral and polar, at codon 803 of the CCDC141 protein (p.Ile803Thr). This variant is present in population databases (rs745404016, gnomAD 0.05%). This variant has not been reported in the literature in individuals affected with CCDC141-related conditions. An algorithm developed to predict the effect of missense changes on protein structure and function outputs the following: PolyPhen-2: "Benign". The threonine amino acid residue is found in multiple mammalian species, which suggests that this missense change does not adversely affect protein function. In summary, the available evidence is currently insufficient to determine the role of this variant in disease. Therefore, it has been classified as a Variant of Uncertain Significance.

NM_173648.4(CCDC141):c.2408T>C (p.Ile803Thr)

Gene: CCDC141 (coiled-coil domain containing 141; minus strand). Cytogenetic location: 2q31.2.
Variant type: single nucleotide variant.
Coding change: c.2408T>C on transcript NM_173648.4 (MANE Select); coding-DNA position 2408, T replaced by C.
Protein change: p.Ile803Thr; replaces isoleucine 803 with threonine.
Molecular consequence: missense variant.
Genome position (GRCh38, 1-based): chr2:178,868,192, A>G on the plus strand (T>C on the coding strand, the complement: CCDC141 is on the minus strand). VCF-style: chr2-178868192-A-G. GRCh37 (hg19) VCF-style: chr2-179732919-A-G.
Other names: short protein forms I803T.
Identifiers: ClinVar variation 4220518 (VCV004220518.2).
Genomic context (GRCh38, chr2:178,868,192, plus strand): 5'-ACATCATGGGCATCACCCAGTTCCTTCGGCTGCTCTACAAACTCCAGCTCTCTTGATTTG[A>G]TGAGACGTCCCAGCTACAATTTAGGGCATTAACAATTAACCTGGGTTTTATATGAAGACA-3'
Protein context (NP_775919.3, residues 793-813): HQVKEELGRL[Ile803Thr]KSRELEFVEQ